The following is an entry in ClinVar:

ClinVar aggregate classification (germline): Benign/Likely benign. Review status: criteria provided, multiple submitters, no conflicts (2 of 4 stars). 6 submissions from 6 submitters: Benign (1); Likely benign (4). 1 of the submissions does not count toward it. Last evaluated 2024-08-26.

Conditions:
PCDH15-related disorder. Also called: PCDH15-related condition; PCDH15-related disorders.

Allele frequency attached by ClinVar (database versions not stated): gnomAD exomes 0.00039 and 0.00015; TOPMed 0.00207; gnomAD 0.00190 and 0.00208; ESP Exome Variant Server 0.00165; 1000 Genomes Project 30x 0.00172; ExAC 0.00050; 1000 Genomes Project 0.00160.
gnomAD v4.1: 508 of 1,613,888 alleles (0.031%); highest among the groups gnomAD compares: African/African-American, 0.63%; 1 homozygote.

Submissions (6):

Blueprint Genetics
Classification: Likely benign. Last evaluated: 2024-08-26. Review status: criteria provided, single submitter. Criteria: ACMG Guidelines, 2015. Collection method: clinical testing. Allele origin: germline.

CeGaT Center for Human Genetics Tuebingen
Classification: Likely benign. Last evaluated: 2023-12-01. Review status: criteria provided, single submitter. Criteria: CeGaT Center For Human Genetics Tuebingen Variant Classification Criteria Version 2. Collection method: clinical testing. Allele origin: germline. Affected: yes. Observed: 1 variant allele.
Comment: PCDH15: BP4, BS2

GeneDx
Classification: Likely benign. Last evaluated: 2018-10-15. Review status: criteria provided, single submitter. Criteria: GeneDx Variant Classification Process June 2021. Collection method: clinical testing. Allele origin: germline. Affected: yes.

Laboratory for Molecular Medicine, Mass General Brigham Personalized Medicine
Classification: Benign. Last evaluated: 2016-03-31. Review status: criteria provided, single submitter. Criteria: LMM Criteria. Collection method: clinical testing. Allele origin: germline. Observed: 2 variant alleles.
Comment: Pro1540Ser in Exon 37A of PCDH15: This variant is not expected to have clinical significance because it has been identified in 0.6% (59/9740) of African chromos omes by the Exome Aggregation Consortium (ExAC; dbSNP rs145418788).

Eurofins Ntd Llc (ga)
Classification: Likely benign. Last evaluated: 2015-07-23. Review status: criteria provided, single submitter. Criteria: EGL Classification Definitions 2015. Collection method: clinical testing. Allele origin: germline. Observed: 1 variant allele, 1 heterozygote.

PreventionGenetics, part of Exact Sciences
Classification: Likely benign for PCDH15-related condition. Last evaluated: 2019-11-06. Review status: no assertion criteria provided. Collection method: clinical testing. Allele origin: germline. Not counted in ClinVar's aggregate classification.
Comment: This variant is classified as likely benign based on ACMG/AMP sequence variant interpretation guidelines (Richards et al. 2015 PMID: 25741868, with internal and published modifications).

NM_001384140.1(PCDH15):c.4671+1109C>T

Gene: PCDH15 (protocadherin related 15; minus strand). Cytogenetic location: 10q21.1.
Variant type: single nucleotide variant.
Coding change: c.4671+1109C>T on transcript NM_001384140.1 (MANE Select); 1109 bases into the intron after coding-DNA position 4671, C replaced by T.
Molecular consequence: intron variant. On other transcripts: missense variant (2), 3 prime UTR variant (1).
Genome position (GRCh38, 1-based): chr10:53,809,447, G>A on the plus strand (C>T on the coding strand, the complement: PCDH15 is on the minus strand). VCF-style: chr10-53809447-G-A. GRCh37 (hg19) VCF-style: chr10-55569207-G-A.
Other names: c.4618C>T, p.Pro1540Ser (NM_001142769.4); c.*33C>T (NM_001142770.3); c.4597C>T, p.Pro1533Ser (NM_001354411.2); c.4476+1109C>T (NM_001354420.2); c.4605+1109C>T (NM_001354429.2); c.4482+1109C>T (NM_001142772.2); c.4497+1109C>T (NM_001142771.2); short protein forms P1540S, P1533S.
Identifiers: ClinVar variation 226999 (VCV000226999.35), dbSNP rs145418788, ClinGen allele CA5504831.